The following is an entry in ClinVar:

NM_002519.3(NPAT):c.277C>T (p.Leu93Phe)

Gene: NPAT (nuclear protein, coactivator of histone transcription; minus strand). Cytogenetic location: 11q22.3.
Variant type: single nucleotide variant.
Coding change: c.277C>T on transcript NM_002519.3 (MANE Select); coding-DNA position 277, C replaced by T.
Protein change: p.Leu93Phe; replaces leucine 93 with phenylalanine.
Molecular consequence: missense variant.
Genome position (GRCh38, 1-based): chr11:108,192,131, G>A on the plus strand (C>T on the coding strand, the complement: NPAT is on the minus strand). VCF-style: chr11-108192131-G-A. GRCh37 (hg19) VCF-style: chr11-108062858-G-A.
Other names: c.277C>T, p.Leu93Phe (NM_001321307.1); short protein forms L93F.
Identifiers: ClinVar variation 2453730 (VCV002453730.2), dbSNP rs2496751272, ClinGen allele CA382526538.
Genomic context (GRCh38, chr11:108,192,131, plus strand): 5'-TGTATTTGCATTCCAAAATCATTAGGCACATTCTAATAGCTTATTACCTGATCTGAGAAA[G>A]TGTATGGTCCAATTTCTTCCATAGAGATGACATTATTGCTGGGACATTATTTGATGTTTC-3'
Protein context (NP_002510.2, residues 83-103): SSLWKKLDHT[Leu93Phe]SQIRSMQSSP

ClinVar aggregate classification (germline): Uncertain significance (1 of 4 stars; one submission).

Allele frequency attached by ClinVar (database versions not stated): gnomAD exomes below 0.00001.

Submission:

Ambry Genetics
Classification: Uncertain significance. Last evaluated: 2022-11-15. Review status: criteria provided, single submitter. Criteria: Ambry Variant Classification Scheme 2023. Collection method: clinical testing. Allele origin: germline.
Comment: The p.L93F variant (also known as c.277C>T), located in coding exon 4 of the NPAT gene, results from a C to T substitution at nucleotide position 277. The leucine at codon 93 is replaced by phenylalanine, an amino acid with highly similar properties. This amino acid position is conserved. In addition, the in silico prediction for this alteration is inconclusive. Since supporting evidence is limited at this time, the clinical significance of this alteration remains unclear.